The following is an entry in ClinVar:

NM_152383.5(DIS3L2):c.1462T>A (p.Ser488Thr)

Gene: DIS3L2 (DIS3 like 3'-5' exoribonuclease 2; plus strand). Cytogenetic location: 2q37.1.
Variant type: single nucleotide variant.
Coding change: c.1462T>A on transcript NM_152383.5 (MANE Select); coding-DNA position 1462, T replaced by A.
Protein change: p.Ser488Thr; replaces serine 488 with threonine.
Molecular consequence: missense variant. On other transcripts: non-coding transcript variant (2).
Genome position (GRCh38, 1-based): chr2:232,263,243, T>A. VCF-style: chr2-232263243-T-A. GRCh37 (hg19) VCF-style: chr2-233127953-T-A.
Other names: c.1462T>A, p.Ser488Thr (NM_001257281.2); short protein forms S488T.
Identifiers: ClinVar variation 1348367 (VCV001348367.6), dbSNP rs756760865, ClinGen allele CA350975224.

ClinVar aggregate classification (germline): Uncertain significance (1 of 4 stars; one submission).

Conditions:
Perlman syndrome (PRLMNS). Identifiers: Orphanet 2849, MedGen C0796113, MONDO:0009965, OMIM 267000.

gnomAD v4.1: 1 of 1,614,222 alleles (0.000062%); no homozygotes.

Submission:

Labcorp Genetics (formerly Invitae), Labcorp
Classification: Uncertain significance for Perlman syndrome. Last evaluated: 2022-03-13. Review status: criteria provided, single submitter. Criteria: Invitae Variant Classification Sherloc (09022015). Collection method: clinical testing. Allele origin: germline.
Comment: In summary, the available evidence is currently insufficient to determine the role of this variant in disease. Therefore, it has been classified as a Variant of Uncertain Significance. Algorithms developed to predict the effect of missense changes on protein structure and function are either unavailable or do not agree on the potential impact of this missense change (SIFT: "Deleterious"; PolyPhen-2: "Probably Damaging"; Align-GVGD: "Class C0"). This variant has not been reported in the literature in individuals affected with DIS3L2-related conditions. This variant is not present in population databases (gnomAD no frequency). This sequence change replaces serine, which is neutral and polar, with threonine, which is neutral and polar, at codon 488 of the DIS3L2 protein (p.Ser488Thr).